The following is an entry in ClinVar:

ClinVar aggregate classification (germline): Likely pathogenic. Review status: criteria provided, multiple submitters, no conflicts (2 of 4 stars). 2 submissions from 2 submitters: Likely pathogenic (2). Last evaluated 2025-12-30.

Conditions:
Tumor predisposition syndrome 3 (TPDS3). Also called: Melanoma, cutaneous malignant, susceptibility to, 10; Glioma susceptibility 9; LONG TELOMERE SYNDROME, POT1-RELATED; POT1 Tumor Predisposition. Identifiers: Orphanet 618, MedGen C4014476, MONDO:0014368, OMIM 615848.
Hereditary cancer-predisposing syndrome. Also called: Hereditary Cancer Syndrome; Hereditary neoplastic syndrome; Neoplastic Syndromes, Hereditary; Tumor predisposition. Identifiers: Orphanet 140162, MedGen C0027672, MeSH D009386, MONDO:0015356.

Allele frequency attached by ClinVar (database versions not stated): gnomAD exomes below 0.00001; ExAC 0.00001.
gnomAD v4.1: 3 of 1,585,038 alleles (0.00019%); highest among the groups gnomAD compares: South Asian, 0.0022%; no homozygotes.

Submissions (2):

Labcorp Genetics (formerly Invitae), Labcorp
Classification: Likely pathogenic for Tumor predisposition syndrome 3. Last evaluated: 2025-12-30. Review status: criteria provided, single submitter. Criteria: Invitae Variant Classification Sherloc (09022015). Collection method: clinical testing. Allele origin: germline.
Comment: This sequence change affects a donor splice site in intron 14 of the POT1 gene. RNA analysis indicates that disruption of this splice site induces altered splicing and likely results in the loss of 14 amino acid residue(s), but is expected to preserve the integrity of the reading-frame. This variant is present in population databases (rs761173025, gnomAD 0.003%). This variant has not been reported in the literature in individuals affected with POT1-related conditions. ClinVar contains an entry for this variant (Variation ID: 1770980). Studies have shown that disruption of this splice site results in the activation of a cryptic splice site in exon 14 (internal data). In summary, the currently available evidence indicates that the variant is pathogenic, but additional data are needed to prove that conclusively. Therefore, this variant has been classified as Likely Pathogenic.

Ambry Genetics
Classification: Likely pathogenic for Hereditary cancer-predisposing syndrome. Last evaluated: 2025-03-16. Review status: criteria provided, single submitter. Criteria: Ambry Variant Classification Scheme 2023. Collection method: clinical testing. Allele origin: germline.
Comment: The c.1369+1G>A intronic variant results from a G to A substitution one nucleotide after coding exon 10 of the POT1 gene. This nucleotide position is highly conserved in available vertebrate species. In silico splice site analysis predicts that this alteration will weaken the native splice donor site; however, direct evidence is insufficient at this time (Ambry internal data). Alterations that disrupt the canonical splice site are expected to cause aberrant splicing, resulting in an abnormal protein or a transcript that is subject to nonsense-mediated mRNA decay. As such, this alteration is classified as likely pathogenic.

NM_015450.3(POT1):c.1369+1G>A

Gene: POT1 (protection of telomeres 1; minus strand). Cytogenetic location: 7q31.33.
Variant type: single nucleotide variant.
Coding change: c.1369+1G>A on transcript NM_015450.3 (MANE Select); the canonical splice donor site of the intron after coding-DNA position 1369, G replaced by A.
Molecular consequence: splice donor variant.
Genome position (GRCh38, 1-based): chr7:124,840,972, C>T on the plus strand (G>A on the coding strand, the complement: POT1 is on the minus strand). VCF-style: chr7-124840972-C-T. GRCh37 (hg19) VCF-style: chr7-124481026-C-T.
Other names: c.976+1G>A (NM_001042594.2).
Identifiers: ClinVar variation 1770980 (VCV001770980.4), dbSNP rs761173025, ClinGen allele CA4465157.